The following is an entry in ClinVar:

NM_006662.3(SRCAP):c.9105C>G (p.Ser3035Arg)

Gene: SRCAP (Snf2 related CREBBP activator protein; plus strand). Cytogenetic location: 16p11.2.
Variant type: single nucleotide variant.
Coding change: c.9105C>G on transcript NM_006662.3 (MANE Select); coding-DNA position 9105, C replaced by G.
Protein change: p.Ser3035Arg; replaces serine 3035 with arginine.
Molecular consequence: missense variant.
Genome position (GRCh38, 1-based): chr16:30,739,145, C>G. VCF-style: chr16-30739145-C-G. GRCh37 (hg19) VCF-style: chr16-30750466-C-G.
Other names: short protein forms S3035R.
Identifiers: ClinVar variation 1708603 (VCV001708603.4), dbSNP rs770456283, ClinGen allele CA395642950.

ClinVar aggregate classification (germline): Uncertain significance. Review status: criteria provided, multiple submitters, no conflicts (2 of 4 stars). 2 submissions from 2 submitters: Uncertain significance (2). Last evaluated 2022-05-23.

Submissions (2):

Revvity Omics, Revvity
Classification: Uncertain significance. Last evaluated: 2022-05-23. Review status: criteria provided, single submitter. Criteria: ACMG Guidelines, 2015. Collection method: clinical testing. Allele origin: germline.

GeneDx
Classification: Uncertain significance. Last evaluated: 2022-04-04. Review status: criteria provided, single submitter. Criteria: GeneDx Variant Classification Process June 2021. Collection method: clinical testing. Allele origin: germline. Affected: yes.
Comment: Not observed at significant frequency in large population cohorts (gnomAD); In silico analysis supports that this missense variant does not alter protein structure/function; Has not been previously published as pathogenic or benign to our knowledge